The following is an entry in ClinVar:

NM_198576.4(AGRN):c.2042A>G (p.Asp681Gly)

Gene: AGRN (agrin; plus strand). Cytogenetic location: 1p36.33.
Variant type: single nucleotide variant.
Coding change: c.2042A>G on transcript NM_198576.4 (MANE Select); coding-DNA position 2042, A replaced by G.
Protein change: p.Asp681Gly; replaces aspartic acid 681 with glycine.
Molecular consequence: missense variant.
Genome position (GRCh38, 1-based): chr1:1,044,151, A>G. VCF-style: chr1-1044151-A-G. GRCh37 (hg19) VCF-style: chr1-979531-A-G.
Other names: c.2042A>G, p.Asp681Gly (NM_001305275.2); c.1727A>G, p.Asp576Gly (NM_001364727.2); short protein forms D681G, D576G.
Identifiers: ClinVar variation 861852 (VCV000861852.9), dbSNP rs1645026070, ClinGen allele CA337835972.
Genomic context (GRCh38, chr1:1,044,151, plus strand): 5'-TGCTCCCCTTCCCCGCAGCCGAGTGCGGTTCCGGAGGCTCTGGCTCTGGGGAGGACGGTG[A>G]CTGTGAGCAGGAGCTGTGCCGGCAGCGCGGTGGCATCTGGGACGAGGACTCGGAGGACGG-3'
Protein context (NP_940978.2, residues 671-691): SGGSGSGEDG[Asp681Gly]CEQELCRQRG

ClinVar aggregate classification (germline): Uncertain significance (1 of 4 stars; one submission).

Conditions:
Congenital myasthenic syndrome 8. Also called: MYASTHENIC SYNDROME, CONGENITAL, DUE TO AGRIN DEFICIENCY; Myasthenic syndrome, congenital, 8, with pre- and postsynaptic defects. Identifiers: Orphanet 590, MedGen C3808739, MONDO:0014052, OMIM 615120.

Submission:

Labcorp Genetics (formerly Invitae), Labcorp
Classification: Uncertain significance for Congenital myasthenic syndrome 8. Last evaluated: 2019-01-14. Review status: criteria provided, single submitter. Criteria: Invitae Variant Classification Sherloc (09022015). Collection method: clinical testing. Allele origin: germline.
Comment: In summary, the available evidence is currently insufficient to determine the role of this variant in disease. Therefore, it has been classified as a Variant of Uncertain Significance. Algorithms developed to predict the effect of missense changes on protein structure and function are either unavailable or do not agree on the potential impact of this missense change (SIFT: "Deleterious"; PolyPhen-2: "Possibly Damaging"; Align-GVGD: "Class C0"). This variant has not been reported in the literature in individuals with AGRN-related conditions. This variant is not present in population databases (ExAC no frequency). This sequence change replaces aspartic acid with glycine at codon 681 of the AGRN protein (p.Asp681Gly). The aspartic acid residue is weakly conserved and there is a moderate physicochemical difference between aspartic acid and glycine.